The following is an entry in ClinVar:

NM_000330.4(RS1):c.341C>T (p.Ser114Phe)

Genes: CDKL5 (cyclin dependent kinase like 5; plus strand), RS1 (retinoschisin 1; minus strand). Cytogenetic location: Xp22.13.
Variant type: single nucleotide variant.
Coding change: c.341C>T on transcript NM_000330.4 (MANE Select); coding-DNA position 341, C replaced by T.
Protein change: p.Ser114Phe; replaces serine 114 with phenylalanine.
Molecular consequence: missense variant. On other transcripts: intron variant (2).
Genome position (GRCh38, 1-based): chrX:18,644,611, G>A on the plus strand (C>T on the coding strand, the complement: RS1 is on the minus strand). VCF-style: chrX-18644611-G-A. GRCh37 (hg19) VCF-style: chrX-18662731-G-A.
Other names: c.2714-1396G>A (NM_003159.3, NM_001037343.2); short protein forms S114F.
Identifiers: ClinVar variation 1444478 (VCV001444478.6), dbSNP rs2147191395, ClinGen allele CA412372333.
Genomic context (GRCh38, chrX:18,644,611, plus strand): 5'-GAAATCACTTTGATCTCCTTCAGATCTATCTGTAACCACTGGCTACTGTCCTGGAACTTG[G>A]AGAGCCAGGCACACCTGCCGAGAACATACCGAGTCACCGAGAGACTCCCCCTGTGCATGT-3'
Protein context (NP_000321.1, residues 104-124): NSQGFGCAWL[Ser114Phe]KFQDSSQWLQ

ClinVar aggregate classification (germline): Likely pathogenic (1 of 4 stars; one submission).

Submission:

Labcorp Genetics (formerly Invitae), Labcorp
Classification: Likely pathogenic. Last evaluated: 2023-06-13. Review status: criteria provided, single submitter. Criteria: Invitae Variant Classification Sherloc (09022015). Collection method: clinical testing. Allele origin: germline.
Comment: In summary, the currently available evidence indicates that the variant is pathogenic, but additional data are needed to prove that conclusively. Therefore, this variant has been classified as Likely Pathogenic. Advanced modeling of protein sequence and biophysical properties (such as structural, functional, and spatial information, amino acid conservation, physicochemical variation, residue mobility, and thermodynamic stability) performed at Invitae indicates that this missense variant is expected to disrupt RS1 protein function. ClinVar contains an entry for this variant (Variation ID: 1444478). This missense change has been observed in individual(s) with X-linked retinoschisis (Invitae). This variant is not present in population databases (gnomAD no frequency). This sequence change replaces serine, which is neutral and polar, with phenylalanine, which is neutral and non-polar, at codon 114 of the RS1 protein (p.Ser114Phe).